The following is an entry in ClinVar:

NM_006904.7(PRKDC):c.10709A>G (p.Asp3570Gly)

Gene: PRKDC (protein kinase, DNA-activated, catalytic subunit; minus strand). Cytogenetic location: 8q11.21.
Variant type: single nucleotide variant.
Coding change: c.10709A>G on transcript NM_006904.7 (MANE Select); coding-DNA position 10709, A replaced by G.
Protein change: p.Asp3570Gly; replaces aspartic acid 3570 with glycine.
Molecular consequence: missense variant.
Genome position (GRCh38, 1-based): chr8:47,789,200, T>C on the plus strand (A>G on the coding strand, the complement: PRKDC is on the minus strand). VCF-style: chr8-47789200-T-C. GRCh37 (hg19) VCF-style: chr8-48701761-T-C.
Other names: c.10709A>G, p.Asp3570Gly (NM_001081640.2); short protein forms D3570G.
Identifiers: ClinVar variation 2132933 (VCV002132933.4), dbSNP rs2551861411, ClinGen allele CA371132439.

ClinVar aggregate classification (germline): Uncertain significance (1 of 4 stars; one submission).

Conditions:
Severe combined immunodeficiency due to DNA-PKcs deficiency. Also called: Immunodeficiency 26 with or without neurologic abnormalities; IMMUNODEFICIENCY 26 WITH NEUROLOGIC ABNORMALITIES. Identifiers: Orphanet 317425, MedGen C4014833, MONDO:0014423, OMIM 615966.

Submission:

Labcorp Genetics (formerly Invitae), Labcorp
Classification: Uncertain significance for Severe combined immunodeficiency due to DNA-PKcs deficiency. Last evaluated: 2022-07-11. Review status: criteria provided, single submitter. Criteria: Invitae Variant Classification Sherloc (09022015). Collection method: clinical testing. Allele origin: germline.
Comment: This sequence change replaces aspartic acid, which is acidic and polar, with glycine, which is neutral and non-polar, at codon 3570 of the PRKDC protein (p.Asp3570Gly). In summary, the available evidence is currently insufficient to determine the role of this variant in disease. Therefore, it has been classified as a Variant of Uncertain Significance. This variant is not present in population databases (gnomAD no frequency). This variant has not been reported in the literature in individuals affected with PRKDC-related conditions. Experimental studies and prediction algorithms are not available or were not evaluated, and the functional significance of this variant is currently unknown. Algorithms developed to predict the effect of sequence changes on RNA splicing suggest that this variant may disrupt the consensus splice site.